The following is an entry in ClinVar:

NM_000257.4(MYH7):c.3274G>T (p.Ala1092Ser)

Gene: MYH7 (myosin heavy chain 7; minus strand). Cytogenetic location: 14q11.2.
Variant type: single nucleotide variant.
Coding change: c.3274G>T on transcript NM_000257.4 (MANE Select); coding-DNA position 3274, G replaced by T.
Protein change: p.Ala1092Ser; replaces alanine 1092 with serine.
Molecular consequence: missense variant.
Genome position (GRCh38, 1-based): chr14:23,421,020, C>A on the plus strand (G>T on the coding strand, the complement: MYH7 is on the minus strand). VCF-style: chr14-23421020-C-A. GRCh37 (hg19) VCF-style: chr14-23890229-C-A.
Other names: c.3274G>T, p.Ala1092Ser (NM_001407004.1); short protein forms A1092S.
Identifiers: ClinVar variation 1729657 (VCV001729657.4), dbSNP rs772216320, ClinGen allele CA389044496.
Genomic context (GRCh38, chr14:23,421,020, plus strand): 5'-GAAGCTCCTTGAGCTTCTTCTGCAGCTGGCTGCCGAGGGCCTGTTCATCCTCAATCCTTG[C>A]GTTGAGAGCATTCAGCTCAAAGTCTTTTCTGTGGGGAAGGAGGGATGGTGAGGTAAGGGA-3'
Protein context (NP_000248.2, residues 1082-1102): KKDFELNALN[Ala1092Ser]RIEDEQALGS

ClinVar aggregate classification (germline): Uncertain significance. Review status: criteria provided, multiple submitters, no conflicts (2 of 4 stars). 2 submissions from 2 submitters: Uncertain significance (2). Last evaluated 2025-01-12.

Conditions:
Hypertrophic cardiomyopathy. Also called: HYPERTROPHIC MYOCARDIOPATHY. Identifiers: Orphanet 217569, MedGen C0007194, MeSH D002312, MONDO:0005045, HP:0001639.
Cardiovascular phenotype. Identifiers: MedGen CN230736.

gnomAD v4.1: 1 of 1,612,888 alleles (0.000062%); highest among the groups gnomAD compares: Non-Finnish European, 0.000085%; no homozygotes.

Submissions (2):

Labcorp Genetics (formerly Invitae), Labcorp
Classification: Uncertain significance for Hypertrophic cardiomyopathy. Last evaluated: 2025-01-12. Review status: criteria provided, single submitter. Criteria: Invitae Variant Classification Sherloc (09022015). Collection method: clinical testing. Allele origin: germline.
Comment: This sequence change replaces alanine, which is neutral and non-polar, with serine, which is neutral and polar, at codon 1092 of the MYH7 protein (p.Ala1092Ser). This variant is not present in population databases (gnomAD no frequency). This variant has not been reported in the literature in individuals affected with MYH7-related conditions. ClinVar contains an entry for this variant (Variation ID: 1729657). Invitae Evidence Modeling of protein sequence and biophysical properties (such as structural, functional, and spatial information, amino acid conservation, physicochemical variation, residue mobility, and thermodynamic stability) indicates that this missense variant is not expected to disrupt MYH7 protein function with a negative predictive value of 95%. In summary, the available evidence is currently insufficient to determine the role of this variant in disease. Therefore, it has been classified as a Variant of Uncertain Significance.

Ambry Genetics
Classification: Uncertain significance for Cardiovascular phenotype. Last evaluated: 2021-11-19. Review status: criteria provided, single submitter. Criteria: Ambry Variant Classification Scheme 2023. Collection method: clinical testing. Allele origin: germline.
Comment: The p.A1092S variant (also known as c.3274G>T), located in coding exon 24 of the MYH7 gene, results from a G to T substitution at nucleotide position 3274. The alanine at codon 1092 is replaced by serine, an amino acid with similar properties. This amino acid position is not well conserved in available vertebrate species. In addition, this alteration is predicted to be tolerated by in silico analysis. Since supporting evidence is limited at this time, the clinical significance of this alteration remains unclear.